The following is an entry in ClinVar:

ClinVar aggregate classification (germline): Uncertain significance. Review status: criteria provided, multiple submitters, no conflicts (2 of 4 stars). 2 submissions from 2 submitters: Uncertain significance (2). Last evaluated 2025-05-28.

Conditions:
Rhabdoid tumor predisposition syndrome 2 (RTPS2). Identifiers: Orphanet 231108, Orphanet 69077, MedGen C2750074, MONDO:0013224, OMIM 613325.
Hereditary cancer-predisposing syndrome. Also called: Hereditary neoplastic syndrome; Neoplastic Syndromes, Hereditary; Tumor predisposition; Hereditary Cancer Syndrome. Identifiers: Orphanet 140162, MedGen C0027672, MeSH D009386, MONDO:0015356.

Submissions (2):

Labcorp Genetics (formerly Invitae), Labcorp
Classification: Uncertain significance for Rhabdoid tumor predisposition syndrome 2. Last evaluated: 2025-05-28. Review status: criteria provided, single submitter. Criteria: Invitae Variant Classification Sherloc (09022015). Collection method: clinical testing. Allele origin: germline.
Comment: This sequence change replaces methionine, which is neutral and non-polar, with isoleucine, which is neutral and non-polar, at codon 106 of the SMARCA4 protein (p.Met106Ile). This variant is not present in population databases (gnomAD no frequency). This variant has not been reported in the literature in individuals affected with SMARCA4-related conditions. ClinVar contains an entry for this variant (Variation ID: 470340). Invitae Evidence Modeling of protein sequence and biophysical properties (such as structural, functional, and spatial information, amino acid conservation, physicochemical variation, residue mobility, and thermodynamic stability) indicates that this missense variant is not expected to disrupt SMARCA4 protein function with a negative predictive value of 95%. In summary, the available evidence is currently insufficient to determine the role of this variant in disease. Therefore, it has been classified as a Variant of Uncertain Significance.

Ambry Genetics
Classification: Uncertain significance for Hereditary cancer-predisposing syndrome. Last evaluated: 2022-12-15. Review status: criteria provided, single submitter. Criteria: Ambry Variant Classification Scheme 2023. Collection method: clinical testing. Allele origin: germline.
Comment: The p.M106I variant (also known as c.318G>A), located in coding exon 2 of the SMARCA4 gene, results from a G to A substitution at nucleotide position 318. The methionine at codon 106 is replaced by isoleucine, an amino acid with highly similar properties. This amino acid position is highly conserved in available vertebrate species. In addition, the in silico prediction for this alteration is inconclusive. Since supporting evidence is limited at this time, the clinical significance of this alteration remains unclear.

NM_003072.5(SMARCA4):c.318G>A (p.Met106Ile)

Gene: SMARCA4 (SWI/SNF related BAF chromatin remodeling complex subunit ATPase 4; plus strand). Cytogenetic location: 19p13.2.
Variant type: single nucleotide variant.
Coding change: c.318G>A on transcript NM_003072.5 (MANE Select); coding-DNA position 318, G replaced by A.
Protein change: p.Met106Ile; replaces methionine 106 with isoleucine.
Molecular consequence: missense variant. On other transcripts: non-coding transcript variant (1).
Genome position (GRCh38, 1-based): chr19:10,985,368, G>A. VCF-style: chr19-10985368-G-A. GRCh37 (hg19) VCF-style: chr19-11096044-G-A.
Other names: c.318G>A, p.Met106Ile (NM_001128844.3, NM_001128845.2, NM_001128846.2 and 5 more transcripts); short protein forms M106I.
Identifiers: ClinVar variation 470340 (VCV000470340.10), dbSNP rs1555752136, ClinGen allele CA404055281.
Genomic context (GRCh38, chr19:10,985,368, plus strand): 5'-CGACCCGCGCTACAACCAGATGAAAGGAATGGGGATGCGGTCAGGGGGCCATGCTGGGAT[G>A]GGGCCCCCGCCCAGCCCCATGGACCAGCACTCCCAAGGTACAGAACTGCGTTCCTTCCTG-3'
Protein context (NP_003063.2, residues 96-116): MGMRSGGHAG[Met106Ile]GPPPSPMDQH